The following is an entry in ClinVar:

NM_017636.4(TRPM4):c.3142G>T (p.Gly1048Cys)

Gene: TRPM4 (transient receptor potential cation channel subfamily M member 4; plus strand). Cytogenetic location: 19q13.33.
Variant type: single nucleotide variant.
Coding change: c.3142G>T on transcript NM_017636.4 (MANE Select); coding-DNA position 3142, G replaced by T.
Protein change: p.Gly1048Cys; replaces glycine 1048 with cysteine.
Molecular consequence: missense variant.
Genome position (GRCh38, 1-based): chr19:49,210,219, G>T. VCF-style: chr19-49210219-G-T. GRCh37 (hg19) VCF-style: chr19-49713476-G-T.
Other names: c.2707G>T, p.Gly903Cys (NM_001195227.2); c.2797G>T, p.Gly933Cys (NM_001321281.2); c.1534G>T, p.Gly512Cys (NM_001321282.2); c.2620G>T, p.Gly874Cys (NM_001321283.2); c.2080G>T, p.Gly694Cys (NM_001321285.2); short protein forms G512C, G903C, G933C, G694C, G874C, G1048C.
Identifiers: ClinVar variation 2711518 (VCV002711518.3), dbSNP rs1249072590, ClinGen allele CA406771480.

ClinVar aggregate classification (germline): Uncertain significance (1 of 4 stars; one submission).

Conditions:
Progressive familial heart block type IB (PFHB1B). Identifiers: Orphanet 871, MedGen C1970298, MONDO:0011474, OMIM 604559.

Submission:

Labcorp Genetics (formerly Invitae), Labcorp
Classification: Uncertain significance for Progressive familial heart block type IB. Last evaluated: 2024-01-25. Review status: criteria provided, single submitter. Criteria: Invitae Variant Classification Sherloc (09022015). Collection method: clinical testing. Allele origin: germline.
Comment: This sequence change replaces glycine, which is neutral and non-polar, with cysteine, which is neutral and slightly polar, at codon 1048 of the TRPM4 protein (p.Gly1048Cys). This variant is not present in population databases (gnomAD no frequency). This variant has not been reported in the literature in individuals affected with TRPM4-related conditions. An algorithm developed to predict the effect of missense changes on protein structure and function (PolyPhen-2) suggests that this variant is likely to be disruptive. In summary, the available evidence is currently insufficient to determine the role of this variant in disease. Therefore, it has been classified as a Variant of Uncertain Significance.